The following is an entry in ClinVar:

ClinVar aggregate classification (germline): Uncertain significance (1 of 4 stars; one submission).

Conditions:
Adenylosuccinate lyase deficiency (ADSLD). Also called: ADSL DEFICIENCY. Identifiers: Orphanet 46, MedGen C0268126, MONDO:0007068, OMIM 103050.

Allele frequency attached by ClinVar (database versions not stated): TOPMed 0.00001.

Submission:

Labcorp Genetics (formerly Invitae), Labcorp
Classification: Uncertain significance for Adenylosuccinate lyase deficiency. Last evaluated: 2022-05-08. Review status: criteria provided, single submitter. Criteria: Invitae Variant Classification Sherloc (09022015). Collection method: clinical testing. Allele origin: germline.
Comment: This variant occurs in a non-coding region of the ADSL gene. It does not change the encoded amino acid sequence of the ADSL protein. This variant is not present in population databases (gnomAD no frequency). This variant has not been reported in the literature in individuals affected with ADSL-related conditions. Experimental studies and prediction algorithms are not available or were not evaluated, and the functional significance of this variant is currently unknown. In summary, the available evidence is currently insufficient to determine the role of this variant in disease. Therefore, it has been classified as a Variant of Uncertain Significance.

NC_000022.11:g.40345877G>A

Gene: ADSL (adenylosuccinate lyase; plus strand). Cytogenetic location: 22q13.1.
Variant type: single nucleotide variant.
Genome position: GRCh38 VCF-style: chr22-40345877-G-A. GRCh37 (hg19) VCF-style: chr22-40741881-G-A.
Identifiers: ClinVar variation 2135557 (VCV002135557.5), dbSNP rs2044117851, ClinGen allele CA2405715524.
Genomic context (GRCh38, chr22:40,345,877, plus strand): 5'-GACAGGGTTTCACGTGTTGCCCAGGCTGGTCTCAAACTCCTAAGCTCAGGAAATCTGCCT[G>A]CCTCGACCTCCCGAAGTGCTGGGATTACAGGCGTAGGCCACCGCAGCCGGCTCACTGGGG-3'